The following is an entry in ClinVar:

ClinVar aggregate classification (germline): Likely benign. Review status: criteria provided, multiple submitters, no conflicts (2 of 4 stars). 2 submissions from 2 submitters: Likely benign (2). Last evaluated 2026-01-20.

Conditions:
Catecholaminergic polymorphic ventricular tachycardia 1. Also called: VENTRICULAR TACHYCARDIA, STRESS-INDUCED POLYMORPHIC 1; RYR2-Related Catecholaminergic Polymorphic Ventricular Tachycardia; VENTRICULAR TACHYCARDIA, CATECHOLAMINERGIC POLYMORPHIC, 1, WITH OR WITHOUT ATRIAL DYSFUNCTION AND/OR DILATED CARDIOMYOPATHY. Identifiers: Orphanet 3286, MedGen C1631597, MONDO:0011484, OMIM 604772.
Catecholaminergic polymorphic ventricular tachycardia (CVPT). Also called: Catecholamine-induced polymorphic ventricular tachycardia. Identifiers: Orphanet 3286, MedGen C5574922, MONDO:0017990.

gnomAD v4.1: 1 of 1,613,998 alleles (0.000062%); highest among the groups gnomAD compares: Non-Finnish European, 0.000085%; no homozygotes.

Submissions (2):

Labcorp Genetics (formerly Invitae), Labcorp
Classification: Likely benign for Catecholaminergic polymorphic ventricular tachycardia 1. Last evaluated: 2026-01-20. Review status: criteria provided, single submitter. Criteria: Invitae Variant Classification Sherloc (09022015). Collection method: clinical testing. Allele origin: germline.

All of Us Research Program, National Institutes of Health
Classification: Likely benign for Catecholaminergic polymorphic ventricular tachycardia. Last evaluated: 2023-06-26. Review status: criteria provided, single submitter. Criteria: ACMG Guidelines, 2015. Collection method: clinical testing. Allele origin: germline. Inheritance: Autosomal dominant inheritance. Observed: 2 variant alleles, 2 heterozygotes.
Comment: This study involves interpretation of variants in research participants for the purpose of population health screening. Participant phenotype was not available at the time of variant classification. Additional details can be found in publication PMID: 35346344, PMCID: PMC8962531

NM_001035.3(RYR2):c.12447T>C (p.Tyr4149=)

Genes: RYR2 (ryanodine receptor 2; plus strand), LOC126806068 (BRD4-independent group 4 enhancer GRCh37_chr1:237947411-237948610; plus strand). Cytogenetic location: 1q43.
Variant type: single nucleotide variant.
Coding change: c.12447T>C on transcript NM_001035.3 (MANE Select); coding-DNA position 12447, T replaced by C.
Protein change: p.Tyr4149=; no amino-acid change (tyrosine 4149 retained).
Molecular consequence: synonymous variant.
Genome position (GRCh38, 1-based): chr1:237,784,159, T>C. VCF-style: chr1-237784159-T-C. GRCh37 (hg19) VCF-style: chr1-237947459-T-C.
Identifiers: ClinVar variation 1546398 (VCV001546398.10), dbSNP rs2149353878, ClinGen allele CA424032204.